The following is an entry in ClinVar:

ClinVar aggregate classification (germline): Uncertain significance (1 of 4 stars; one submission).

gnomAD v4.1: 10 of 1,613,208 alleles (0.00062%); highest among the groups gnomAD compares: Non-Finnish European, 0.00085%; no homozygotes.

Submission:

Labcorp Genetics (formerly Invitae), Labcorp
Classification: Uncertain significance. Last evaluated: 2025-01-23. Review status: criteria provided, single submitter. Criteria: Invitae Variant Classification Sherloc (09022015). Collection method: clinical testing. Allele origin: germline.
Comment: This sequence change replaces lysine, which is basic and polar, with glutamine, which is neutral and polar, at codon 1294 of the ARHGEF10 protein (p.Lys1294Gln). This variant is not present in population databases (gnomAD no frequency). This variant has not been reported in the literature in individuals affected with ARHGEF10-related conditions. Invitae Evidence Modeling of protein sequence and biophysical properties (such as structural, functional, and spatial information, amino acid conservation, physicochemical variation, residue mobility, and thermodynamic stability) indicates that this missense variant is not expected to disrupt ARHGEF10 protein function with a negative predictive value of 80%. In summary, the available evidence is currently insufficient to determine the role of this variant in disease. Therefore, it has been classified as a Variant of Uncertain Significance.

NM_014629.4(ARHGEF10):c.3880A>C (p.Lys1294Gln)

Gene: ARHGEF10 (Rho guanine nucleotide exchange factor 10; plus strand). Cytogenetic location: 8p23.3.
Variant type: single nucleotide variant.
Coding change: c.3880A>C on transcript NM_014629.4 (MANE Select); coding-DNA position 3880, A replaced by C.
Protein change: p.Lys1294Gln; replaces lysine 1294 with glutamine.
Molecular consequence: missense variant.
Genome position (GRCh38, 1-based): chr8:1,957,108, A>C. VCF-style: chr8-1957108-A-C. GRCh37 (hg19) VCF-style: chr8-1905274-A-C.
Other names: c.3766A>C, p.Lys1256Gln (NM_001308152.2); c.3880A>C, p.Lys1294Gln (NM_001308153.3); short protein forms K1294Q, K1256Q, K1318Q.
Identifiers: ClinVar variation 3696487 (VCV003696487.2).